The following is an entry in ClinVar:

ClinVar aggregate classification (germline): Likely benign (1 of 4 stars; one submission).

Conditions:
MAGI2-related disorder. Also called: MAGI2-related condition.

gnomAD v4.1: 12 of 1,613,330 alleles (0.00074%); highest among the groups gnomAD compares: Non-Finnish European, 0.00093%; no homozygotes.

Submission:

PreventionGenetics, part of Exact Sciences
Classification: Likely benign for MAGI2-related condition. Last evaluated: 2026-05-02. Review status: criteria provided, single submitter. Criteria: ACMG Guidelines, 2015. Collection method: clinical testing. Allele origin: germline.
Comment: This variant is classified as likely benign based on ACMG/AMP sequence variant interpretation guidelines (Richards et al. 2015 PMID: 25741868, with internal and published modifications).

NM_012301.4(MAGI2):c.3201T>C (p.Asn1067=)

Gene: MAGI2 (membrane associated guanylate kinase, WW and PDZ domain containing 2; minus strand). Cytogenetic location: 7q21.11.
Variant type: single nucleotide variant.
Coding change: c.3201T>C on transcript NM_012301.4 (MANE Select); coding-DNA position 3201, T replaced by C.
Protein change: p.Asn1067=; no amino-acid change (asparagine 1067 retained).
Molecular consequence: synonymous variant.
Genome position (GRCh38, 1-based): chr7:78,132,891, A>G on the plus strand (T>C on the coding strand, the complement: MAGI2 is on the minus strand). VCF-style: chr7-78132891-A-G. GRCh37 (hg19) VCF-style: chr7-77762208-A-G.
Other names: c.3159T>C, p.Asn1053= (NM_001301128.2).
Identifiers: ClinVar variation 4989196 (VCV004989196.1).